The following is an entry in ClinVar:

NM_000601.6(HGF):c.1904A>G (p.Tyr635Cys)

Gene: HGF (hepatocyte growth factor; minus strand). Cytogenetic location: 7q21.11.
Variant type: single nucleotide variant.
Coding change: c.1904A>G on transcript NM_000601.6 (MANE Select); coding-DNA position 1904, A replaced by G.
Protein change: p.Tyr635Cys; replaces tyrosine 635 with cysteine.
Molecular consequence: missense variant.
Genome position (GRCh38, 1-based): chr7:81,705,496, T>C on the plus strand (A>G on the coding strand, the complement: HGF is on the minus strand). VCF-style: chr7-81705496-T-C. GRCh37 (hg19) VCF-style: chr7-81334812-T-C.
Other names: c.1889A>G, p.Tyr630Cys (NM_001010932.3); short protein forms Y635C, Y630C.
Identifiers: ClinVar variation 360776 (VCV000360776.6), dbSNP rs565056780, ClinGen allele CA4316765.

ClinVar aggregate classification (germline): Uncertain significance (1 of 4 stars; one submission).

Allele frequency attached by ClinVar (database versions not stated): gnomAD 0.00001; gnomAD exomes 0.00001; TOPMed 0.00001; ExAC 0.00002; 1000 Genomes Project 0.00020; 1000 Genomes Project 30x 0.00031.
gnomAD v4.1: 16 of 1,612,608 alleles (0.00099%); highest among the groups gnomAD compares: South Asian, 0.0077%; no homozygotes.

Submission:

Labcorp Genetics (formerly Invitae), Labcorp
Classification: Uncertain significance. Last evaluated: 2025-11-03. Review status: criteria provided, single submitter. Criteria: Invitae Variant Classification Sherloc (09022015). Collection method: clinical testing. Allele origin: germline.
Comment: This sequence change replaces tyrosine, which is neutral and polar, with cysteine, which is neutral and slightly polar, at codon 635 of the HGF protein (p.Tyr635Cys). This variant is present in population databases (rs565056780, gnomAD 0.003%). This variant has not been reported in the literature in individuals affected with HGF-related conditions. ClinVar contains an entry for this variant (Variation ID: 360776). An algorithm developed to predict the effect of missense changes on protein structure and function (PolyPhen-2) suggests that this variant is likely to be disruptive. In summary, the available evidence is currently insufficient to determine the role of this variant in disease. Therefore, it has been classified as a Variant of Uncertain Significance.